The following is an entry in ClinVar:

ClinVar aggregate classification (germline): Likely benign. Review status: criteria provided, multiple submitters, no conflicts (2 of 4 stars). 5 submissions from 5 submitters: Likely benign (5). Last evaluated 2026-04-11.

Conditions:
Familial thoracic aortic aneurysm and aortic dissection (TAAD). Also called: Thoracic aortic aneurysms and dissections. Identifiers: Orphanet 91387, MedGen C4707243, MONDO:0019625.
Loeys-Dietz syndrome 2 (LDS2). Also called: TGFBR2-Related Loeys-Dietz Syndrome; Marfan syndrome, type 2 (formerly); AORTIC ANEURYSM, FAMILIAL THORACIC 3; MARFAN SYNDROME, TYPE II; Marfan Syndrome type 2; Marfan like connective tissue disorder. Identifiers: Orphanet 284973, Orphanet 558, MedGen C2674574, MONDO:0012427, OMIM 610168.

Allele frequency attached by ClinVar (database versions not stated): TOPMed 0.00001; ExAC 0.00001; gnomAD 0.00001; gnomAD exomes 0.00001.
gnomAD v4.1: 6 of 1,614,038 alleles (0.00037%); highest among the groups gnomAD compares: East Asian, 0.011%; no homozygotes.

Submissions (5):

Ambry Genetics
Classification: Likely benign for Familial thoracic aortic aneurysm and aortic dissection. Last evaluated: 2026-04-11. Review status: criteria provided, single submitter. Criteria: Ambry Variant Classification Scheme 2023. Collection method: clinical testing. Allele origin: germline.

Labcorp Genetics (formerly Invitae), Labcorp
Classification: Likely benign for Familial thoracic aortic aneurysm and aortic dissection. Last evaluated: 2023-10-12. Review status: criteria provided, single submitter. Criteria: Invitae Variant Classification Sherloc (09022015). Collection method: clinical testing. Allele origin: germline.

All of Us Research Program, National Institutes of Health
Classification: Likely benign for Loeys-Dietz syndrome 2. Last evaluated: 2023-08-15. Review status: criteria provided, single submitter. Criteria: ACMG Guidelines, 2015. Collection method: clinical testing. Allele origin: germline. Inheritance: Autosomal dominant inheritance. Observed: 1 variant allele, 1 heterozygote.
Comment: This study involves interpretation of variants in research participants for the purpose of population health screening. Participant phenotype was not available at the time of variant classification. Additional details can be found in publication PMID: 35346344, PMCID: PMC8962531

CHEO Genetics Diagnostic Laboratory, Children's Hospital of Eastern Ontario
Classification: Likely benign for Familial thoracic aortic aneurysm and aortic dissection. Last evaluated: 2021-09-14. Review status: criteria provided, single submitter. Criteria: ACMG Guidelines, 2015. Collection method: clinical testing. Allele origin: germline.

Color Diagnostics, LLC DBA Color Health
Classification: Likely benign for Familial thoracic aortic aneurysm and aortic dissection. Last evaluated: 2018-10-30. Review status: criteria provided, single submitter. Criteria: ACMG Guidelines, 2015. Collection method: clinical testing. Allele origin: germline.

NM_003242.6(TGFBR2):c.1668G>A (p.Lys556=)

Gene: TGFBR2 (transforming growth factor beta receptor 2; plus strand). Cytogenetic location: 3p24.1.
Variant type: single nucleotide variant.
Coding change: c.1668G>A on transcript NM_003242.6 (MANE Select); coding-DNA position 1668, G replaced by A.
Protein change: p.Lys556=; no amino-acid change (lysine 556 retained).
Molecular consequence: synonymous variant.
Genome position (GRCh38, 1-based): chr3:30,691,563, G>A. VCF-style: chr3-30691563-G-A. GRCh37 (hg19) VCF-style: chr3-30733055-G-A.
Other names: c.1743G>A, p.Lys581= (NM_001024847.3); c.1851G>A, p.Lys617= (NM_001407126.1); c.1776G>A, p.Lys592= (NM_001407127.1); c.1695G>A, p.Lys565= (NM_001407128.1); c.1671G>A, p.Lys557= (NM_001407129.1); c.1665G>A, p.Lys555= (NM_001407130.1); c.1563G>A, p.Lys521= (NM_001407132.1, NM_001407133.1, NM_001407134.1 and 2 more transcripts); c.1383G>A, p.Lys461= (NM_001407137.1); and 2 more.
Identifiers: ClinVar variation 707641 (VCV000707641.22), dbSNP rs779923854, ClinGen allele CA047290.